The following is an entry in ClinVar:

ClinVar aggregate classification (germline): Likely benign. Review status: criteria provided, multiple submitters, no conflicts (2 of 4 stars). 3 submissions from 3 submitters: Likely benign (3). Last evaluated 2025-12-12.

Conditions:
LRP5-related disorder. Also called: LRP5-related condition.

Allele frequency attached by ClinVar (database versions not stated): ExAC 0.00002; gnomAD exomes 0.00004; TOPMed 0.00004; gnomAD 0.00007; ESP Exome Variant Server 0.00015.
gnomAD v4.1: 65 of 1,613,546 alleles (0.004%); highest among the groups gnomAD compares: Non-Finnish European, 0.0053%; no homozygotes.

Submissions (3):

PreventionGenetics, part of Exact Sciences
Classification: Likely benign for LRP5-related condition. Last evaluated: 2025-12-12. Review status: criteria provided, single submitter. Criteria: ACMG Guidelines, 2015. Collection method: clinical testing. Allele origin: germline.
Comment: This variant is classified as likely benign based on ACMG/AMP sequence variant interpretation guidelines (Richards et al. 2015 PMID: 25741868, with internal and published modifications).

Labcorp Genetics (formerly Invitae), Labcorp
Classification: Likely benign. Last evaluated: 2025-12-06. Review status: criteria provided, single submitter. Criteria: Invitae Variant Classification Sherloc (09022015). Collection method: clinical testing. Allele origin: germline.

Blueprint Genetics
Classification: Likely benign. Last evaluated: 2024-03-23. Review status: criteria provided, single submitter. Criteria: ACMG Guidelines, 2015. Collection method: clinical testing. Allele origin: germline.

NM_002335.4(LRP5):c.1311G>A (p.Thr437=)

Gene: LRP5 (LDL receptor related protein 5; plus strand). Cytogenetic location: 11q13.2.
Variant type: single nucleotide variant.
Coding change: c.1311G>A on transcript NM_002335.4 (MANE Select); coding-DNA position 1311, G replaced by A.
Protein change: p.Thr437=; no amino-acid change (threonine 437 retained).
Molecular consequence: synonymous variant. On other transcripts: 5 prime UTR variant (1).
Genome position (GRCh38, 1-based): chr11:68,386,611, G>A. VCF-style: chr11-68386611-G-A. GRCh37 (hg19) VCF-style: chr11-68154079-G-A.
Other names: c.-455G>A (NM_001291902.2); c.1311G>A (NM_002335.3).
Identifiers: ClinVar variation 2068776 (VCV002068776.6), dbSNP rs374322550, ClinGen allele CA6149299.